The following is an entry in ClinVar:

ClinVar aggregate classification (germline): Likely pathogenic (1 of 4 stars; one submission).

Conditions:
LEPR-related disorder. Also called: LEPR-related condition; LEPR-related disorders.

Submission:

PreventionGenetics, part of Exact Sciences
Classification: Likely pathogenic for LEPR-related condition. Last evaluated: 2026-06-06. Review status: criteria provided, single submitter. Criteria: ACMG Guidelines, 2015. Collection method: clinical testing. Allele origin: germline.
Comment: The LEPR c.40+1G>A variant is predicted to disrupt the GT donor site and interfere with normal splicing. This variant was reported in the homozygous state in an individual with early onset obesity (George et al. 2024. PubMed ID: 39026488). This variant has not been reported in a large population database (gnomAD), indicating this variant is rare. Variants that disrupt the consensus splice donor site in LEPR are expected to be pathogenic. This variant is interpreted as likely pathogenic.

NM_002303.6(LEPR):c.40+1G>A

Gene: LEPR (leptin receptor; plus strand). Cytogenetic location: 1p31.3.
Variant type: single nucleotide variant.
Coding change: c.40+1G>A on transcript NM_002303.6 (MANE Select); the canonical splice donor site of the intron after coding-DNA position 40, G replaced by A.
Molecular consequence: splice donor variant.
Genome position (GRCh38, 1-based): chr1:65,565,606, G>A. VCF-style: chr1-65565606-G-A. GRCh37 (hg19) VCF-style: chr1-66031289-G-A.
Other names: c.40+1G>A (NM_001003679.3, NM_001003680.3, NM_001198689.2 and 2 more transcripts).
Identifiers: ClinVar variation 4982725 (VCV004982725.1).